The following is an entry in ClinVar:

ClinVar aggregate classification (germline): Uncertain significance. Review status: criteria provided, multiple submitters, no conflicts (2 of 4 stars). 2 submissions from 2 submitters: Uncertain significance (2). Last evaluated 2024-12-15.

Conditions:
Autosomal recessive nonsyndromic hearing loss 18B. Also called: Deafness, autosomal recessive 18b. Identifiers: Orphanet 90636, MedGen C3554163, MONDO:0013985, OMIM 614945.

Allele frequency attached by ClinVar (database versions not stated): 1000 Genomes Project 30x 0.00016.
gnomAD v4.1: 27 of 1,543,950 alleles (0.0017%); highest among the groups gnomAD compares: African/African-American, 0.0068%; no homozygotes.

Submissions (2):

Labcorp Genetics (formerly Invitae), Labcorp
Classification: Uncertain significance. Last evaluated: 2024-12-15. Review status: criteria provided, single submitter. Criteria: Invitae Variant Classification Sherloc (09022015). Collection method: clinical testing. Allele origin: germline.
Comment: This sequence change replaces arginine, which is basic and polar, with histidine, which is basic and polar, at codon 1389 of the OTOG protein (p.Arg1389His). This variant is present in population databases (no rsID available, gnomAD 0.009%). This variant has not been reported in the literature in individuals affected with OTOG-related conditions. ClinVar contains an entry for this variant (Variation ID: 2434526). An algorithm developed to predict the effect of missense changes on protein structure and function (PolyPhen-2) suggests that this variant is likely to be disruptive. In summary, the available evidence is currently insufficient to determine the role of this variant in disease. Therefore, it has been classified as a Variant of Uncertain Significance.

Revvity Omics, Revvity
Classification: Uncertain significance for Autosomal recessive nonsyndromic hearing loss 18B. Last evaluated: 2019-08-20. Review status: criteria provided, single submitter. Criteria: ACMG Guidelines, 2015. Collection method: clinical testing. Allele origin: germline.

NM_001292063.2(OTOG):c.4130G>A (p.Arg1377His)

Gene: OTOG (otogelin; plus strand). Cytogenetic location: 11p15.1.
Variant type: single nucleotide variant.
Coding change: c.4130G>A on transcript NM_001292063.2 (MANE Select); coding-DNA position 4130, G replaced by A.
Protein change: p.Arg1377His; replaces arginine 1377 with histidine.
Molecular consequence: missense variant.
Genome position (GRCh38, 1-based): chr11:17,606,109, G>A. VCF-style: chr11-17606109-G-A. GRCh37 (hg19) VCF-style: chr11-17627656-G-A.
Other names: c.4166G>A, p.Arg1389His (NM_001277269.2); short protein forms R1377H, R1389H.
Identifiers: ClinVar variation 2434526 (VCV002434526.5), dbSNP rs1257243835, ClinGen allele CA379792890.